The following is an entry in ClinVar:

ClinVar aggregate classification (germline): Uncertain significance (1 of 4 stars; one submission).

Allele frequency attached by ClinVar (database versions not stated): gnomAD exomes below 0.00001.
gnomAD v4.1: 1 of 1,613,546 alleles (0.000062%); highest among the groups gnomAD compares: Non-Finnish European, 0.000085%; no homozygotes.

Submission:

Labcorp Genetics (formerly Invitae), Labcorp
Classification: Uncertain significance. Last evaluated: 2021-02-25. Review status: criteria provided, single submitter. Criteria: Invitae Variant Classification Sherloc (09022015). Collection method: clinical testing. Allele origin: germline.
Comment: In summary, the available evidence is currently insufficient to determine the role of this variant in disease. Therefore, it has been classified as a Variant of Uncertain Significance. Algorithms developed to predict the effect of missense changes on protein structure and function are either unavailable or do not agree on the potential impact of this missense change (SIFT: "Tolerated"; PolyPhen-2: "Possibly Damaging"; Align-GVGD: "Class C0"). This variant has not been reported in the literature in individuals with MYLK3-related conditions. This variant is not present in population databases (ExAC no frequency). This sequence change replaces glutamine with proline at codon 87 of the MYLK3 protein (p.Gln87Pro). The glutamine residue is weakly conserved and there is a moderate physicochemical difference between glutamine and proline.

NM_182493.3(MYLK3):c.260A>C (p.Gln87Pro)

Gene: MYLK3 (myosin light chain kinase 3; minus strand). Cytogenetic location: 16q11.2.
Variant type: single nucleotide variant.
Coding change: c.260A>C on transcript NM_182493.3 (MANE Select); coding-DNA position 260, A replaced by C.
Protein change: p.Gln87Pro; replaces glutamine 87 with proline.
Molecular consequence: missense variant. On other transcripts: intron variant (1).
Genome position (GRCh38, 1-based): chr16:46,747,934, T>G on the plus strand (A>C on the coding strand, the complement: MYLK3 is on the minus strand). VCF-style: chr16-46747934-T-G. GRCh37 (hg19) VCF-style: chr16-46781846-T-G.
Other names: c.-113-7787A>C (NM_001308301.1); short protein forms Q87P.
Identifiers: ClinVar variation 1513506 (VCV001513506.8), dbSNP rs2143017208, ClinGen allele CA395798125.